The following is an entry in ClinVar:

NM_000152.5(GAA):c.2647-8C>T

Gene: GAA (alpha glucosidase; plus strand). Cytogenetic location: 17q25.3.
Variant type: single nucleotide variant.
Coding change: c.2647-8C>T on transcript NM_000152.5 (MANE Select); 8 bases into the intron before coding-DNA position 2647, C replaced by T.
Molecular consequence: intron variant.
Genome position (GRCh38, 1-based): chr17:80,118,645, C>T. VCF-style: chr17-80118645-C-T. GRCh37 (hg19) VCF-style: chr17-78092444-C-T.
Other names: p.?; c.2647-8C>T (LRG_673t1, NM_001079803.3, NM_001079804.3).
Identifiers: ClinVar variation 282362 (VCV000282362.30), dbSNP rs139201641, ClinGen allele CA8815821.
Genomic context (GRCh38, chr17:80,118,645, plus strand): 5'-TTCCTGCCCCAGCTGTCTGCTGACACCTCCACATTCTCTGCCTTTTCATCTCTCTCTGCT[C>T]GGCCCAGAACACGATCGTGAATGAGCTGGTACGTGTGACCAGTGAGGGAGCTGGCCTGCA-3'

ClinVar aggregate classification (germline): Benign/Likely benign. Review status: criteria provided, multiple submitters, no conflicts (2 of 4 stars). 7 submissions from 7 submitters: Benign (2); Likely benign (5). Last evaluated 2026-01-27.

Conditions:
Glycogen storage disease, type II (IOPD). Also called: Glucosidase acid-1,4-alpha deficiency; Glycogen storage disease type 2; Acid maltase deficiency disease; Aglucosidase alfa; Deficiency of alpha-glucosidase; Deficiency of lysosomal alpha-glucosidase. Identifiers: Orphanet 365, MedGen C0017921, MONDO:0009290, OMIM 232300.

Allele frequency attached by ClinVar (database versions not stated): gnomAD exomes 0.00059; ExAC 0.00073; gnomAD 0.00206 and 0.00216; TOPMed 0.00234; ESP Exome Variant Server 0.00246; 1000 Genomes Project 30x 0.00250; 1000 Genomes Project 0.00280.

Submissions (7):

Labcorp Genetics (formerly Invitae), Labcorp
Classification: Benign for Glycogen storage disease, type II. Last evaluated: 2026-01-27. Review status: criteria provided, single submitter. Criteria: Invitae Variant Classification Sherloc (09022015). Collection method: clinical testing. Allele origin: germline.

Mayo Clinic Laboratories, Mayo Clinic
Classification: Likely benign. Last evaluated: 2025-10-27. Review status: criteria provided, single submitter. Criteria: ACMG Guidelines, 2015. Collection method: clinical testing. Allele origin: germline. Observed: 8 variant alleles.
Comment: BS1, BP4, BP7

Blueprint Genetics
Classification: Likely benign. Last evaluated: 2024-10-17. Review status: criteria provided, single submitter. Criteria: ACMG Guidelines, 2015. Collection method: clinical testing. Allele origin: germline.

GeneDx
Classification: Likely benign. Last evaluated: 2021-03-05. Review status: criteria provided, single submitter. Criteria: GeneDx Variant Classification Process June 2021. Collection method: clinical testing. Allele origin: germline. Affected: yes.

Women's Health and Genetics/Laboratory Corporation of America, LabCorp
Classification: Benign. Last evaluated: 2019-09-09. Review status: criteria provided, single submitter. Criteria: LabCorp Variant Classification Summary - May 2015. Collection method: clinical testing. Allele origin: germline.
Comment: Variant summary: GAA c.2647-8C>T alters a non-conserved nucleotide located close to a canonical splice site and therefore could affect mRNA splicing, leading to a significantly altered protein sequence. 5/5 computational tools predict no significant impact on normal splicing. However, these predictions have yet to be confirmed by functional studies. The variant allele was found at a frequency of 0.00059 in 249424 control chromosomes, predominantly at a frequency of 0.0083 within the African or African-American subpopulation in the gnomAD database. The observed variant frequency within African or African-American control individuals in the gnomAD database is approximately 2 fold of the estimated maximal expected allele frequency for a pathogenic variant in GAA causing Glycogen Storage Disease, Type 2 (Pompe Disease) phenotype (0.0042), strongly suggesting that the variant is a benign polymorphism found primarily in populations of African or African-American origin. To our knowledge, no occurrence of c.2647-8C>T in individuals affected with Glycogen Storage Disease, Type 2 (Pompe Disease) and no experimental evidence demonstrating its impact on protein function have been reported. Three submitters have provided clinical-significance assessments for this variant to ClinVar after 2014 without evidence for independent evaluation. All laboratories classified the variant as benign (1x) /likely benign (2x). Based on the evidence outlined above, the variant was classified as benign.

ARUP Laboratories, Molecular Genetics and Genomics, ARUP Laboratories
Classification: Likely benign for Glycogen storage disease, type II. Last evaluated: 2018-10-23. Review status: criteria provided, single submitter. Criteria: ARUP Molecular Germline Variant Investigation Process. Collection method: clinical testing. Allele origin: germline.

Eurofins Ntd Llc (ga)
Classification: Likely benign. Last evaluated: 2015-08-28. Review status: criteria provided, single submitter. Criteria: EGL Classification Definitions 2015. Collection method: clinical testing. Allele origin: germline. Observed: 1 variant allele, 1 heterozygote.